The following is an entry in ClinVar:

NM_021619.3(PRDM12):c.1033C>G (p.Pro345Ala)

Gene: PRDM12 (PR/SET domain 12; plus strand). Cytogenetic location: 9q34.12.
Variant type: single nucleotide variant.
Coding change: c.1033C>G on transcript NM_021619.3 (MANE Select); coding-DNA position 1033, C replaced by G.
Protein change: p.Pro345Ala; replaces proline 345 with alanine.
Molecular consequence: missense variant.
Genome position (GRCh38, 1-based): chr9:130,681,598, C>G. VCF-style: chr9-130681598-C-G. GRCh37 (hg19) VCF-style: chr9-133556985-C-G.
Other names: short protein forms P345A.
Identifiers: ClinVar variation 1449554 (VCV001449554.3), dbSNP rs2132608634, ClinGen allele CA375245218.

ClinVar aggregate classification (germline): Uncertain significance (1 of 4 stars; one submission).

Conditions:
Congenital insensitivity to pain-hypohidrosis syndrome. Also called: HSAN VIII; Neuropathy, hereditary sensory and autonomic, type VIII. Identifiers: Orphanet 478664, MedGen C4225308, MONDO:0014662, OMIM 616488.

Submission:

Labcorp Genetics (formerly Invitae), Labcorp
Classification: Uncertain significance for Congenital insensitivity to pain-hypohidrosis syndrome. Last evaluated: 2021-08-19. Review status: criteria provided, single submitter. Criteria: Invitae Variant Classification Sherloc (09022015). Collection method: clinical testing. Allele origin: germline.
Comment: This sequence change replaces proline with alanine at codon 345 of the PRDM12 protein (p.Pro345Ala). The proline residue is weakly conserved and there is a small physicochemical difference between proline and alanine. The frequency data for this variant in the population databases is considered unreliable, as metrics indicate insufficient coverage at this position in the ExAC database. This variant has not been reported in the literature in individuals affected with PRDM12-related conditions. Algorithms developed to predict the effect of missense changes on protein structure and function are either unavailable or do not agree on the potential impact of this missense change (SIFT: "Tolerated"; PolyPhen-2: "Not Available"; Align-GVGD: "Class C0"). In summary, the available evidence is currently insufficient to determine the role of this variant in disease. Therefore, it has been classified as a Variant of Uncertain Significance.